The following is an entry in ClinVar:

ClinVar aggregate classification (germline): Uncertain significance. Review status: criteria provided, multiple submitters, no conflicts (2 of 4 stars). 3 submissions from 3 submitters: Uncertain significance (3). Last evaluated 2023-11-21.

Conditions:
Colorectal cancer, susceptibility to, 1. Also called: COLORECTAL ADENOMA AND CANCER, SUSCEPTIBILITY TO; COLORECTAL CANCER, SUSCEPTIBILITY TO, ON CHROMOSOME 9. Identifiers: MedGen C1837315, MONDO:0012132, OMIM 608812.

Allele frequency attached by ClinVar (database versions not stated): TOPMed below 0.00001; gnomAD exomes 0.00001.
gnomAD v4.1: 8 of 1,611,946 alleles (0.0005%); highest among the groups gnomAD compares: East Asian, 0.0022%; no homozygotes.

Submissions (3):

Baylor Genetics
Classification: Uncertain significance for Colorectal cancer, susceptibility to, 1. Last evaluated: 2023-11-21. Review status: criteria provided, single submitter. Criteria: ACMG Guidelines, 2015. Collection method: clinical testing. Allele origin: unknown.

Ambry Genetics
Classification: Uncertain significance. Last evaluated: 2023-10-13. Review status: criteria provided, single submitter. Criteria: Ambry Variant Classification Scheme 2023. Collection method: clinical testing. Allele origin: germline.
Comment: The p.R198H variant (also known as c.593G>A), located in coding exon 3 of the GALNT12 gene, results from a G to A substitution at nucleotide position 593. The arginine at codon 198 is replaced by histidine, an amino acid with highly similar properties. This amino acid position is highly conserved in available vertebrate species. In addition, the in silico prediction for this alteration is inconclusive. Since supporting evidence is limited at this time, the clinical significance of this alteration remains unclear.

Labcorp Genetics (formerly Invitae), Labcorp
Classification: Uncertain significance. Last evaluated: 2023-04-04. Review status: criteria provided, single submitter. Criteria: Invitae Variant Classification Sherloc (09022015). Collection method: clinical testing. Allele origin: germline.
Comment: In summary, the available evidence is currently insufficient to determine the role of this variant in disease. Therefore, it has been classified as a Variant of Uncertain Significance. Advanced modeling of protein sequence and biophysical properties (such as structural, functional, and spatial information, amino acid conservation, physicochemical variation, residue mobility, and thermodynamic stability) performed at Invitae indicates that this missense variant is not expected to disrupt GALNT12 protein function. ClinVar contains an entry for this variant (Variation ID: 826068). This variant has not been reported in the literature in individuals affected with GALNT12-related conditions. This variant is present in population databases (no rsID available, gnomAD 0.007%). This sequence change replaces arginine, which is basic and polar, with histidine, which is basic and polar, at codon 198 of the GALNT12 protein (p.Arg198His).

NM_024642.5(GALNT12):c.593G>A (p.Arg198His)

Gene: GALNT12 (polypeptide N-acetylgalactosaminyltransferase 12; plus strand). Cytogenetic location: 9q22.33.
Variant type: single nucleotide variant.
Coding change: c.593G>A on transcript NM_024642.5 (MANE Select); coding-DNA position 593, G replaced by A.
Protein change: p.Arg198His; replaces arginine 198 with histidine.
Molecular consequence: missense variant.
Genome position (GRCh38, 1-based): chr9:98,826,803, G>A. VCF-style: chr9-98826803-G-A. GRCh37 (hg19) VCF-style: chr9-101589085-G-A.
Other names: short protein forms R198H.
Identifiers: ClinVar variation 826068 (VCV000826068.13), dbSNP rs1247073303, ClinGen allele CA374217436.